The following is an entry in ClinVar:

ClinVar aggregate classification (germline): Uncertain significance (1 of 4 stars; one submission).

Conditions:
Focal segmental glomerulosclerosis 5 (FSGS5). Identifiers: Orphanet 656, MedGen C2750475, MONDO:0013191, OMIM 613237.
Charcot-Marie-Tooth disease dominant intermediate E. Also called: CHARCOT-MARIE-TOOTH NEUROPATHY WITH FOCAL SEGMENTAL GLOMERULONEPHRITIS. Identifiers: Orphanet 93114, MedGen C4302667, MONDO:0013758, OMIM 614455.

Submission:

Labcorp Genetics (formerly Invitae), Labcorp
Classification: Uncertain significance for Charcot-Marie-Tooth disease dominant intermediate E; Focal segmental glomerulosclerosis 5. Last evaluated: 2020-02-28. Review status: criteria provided, single submitter. Criteria: Invitae Variant Classification Sherloc (09022015). Collection method: clinical testing. Allele origin: germline.
Comment: This variant is not present in population databases (ExAC no frequency). This variant has not been reported in the literature in individuals with INF2-related conditions. Experimental studies and prediction algorithms are not available or were not evaluated, and the functional significance of this variant is currently unknown. In summary, the available evidence is currently insufficient to determine the role of this variant in disease. Therefore, it has been classified as a Variant of Uncertain Significance. This variant, c.664_666dup, results in the insertion of 1 amino acid(s) to the INF2 protein (p.Ile222dup), but otherwise preserves the integrity of the reading frame.

NM_022489.4(INF2):c.664_666dup (p.Ile222dup)

Gene: INF2 (inverted formin 2; plus strand). Cytogenetic location: 14q32.33.
Variant type: Duplication.
Coding change: c.664_666dup on transcript NM_022489.4 (MANE Select); coding-DNA positions 664 to 666, 3 bases duplicated (ATC; older notation c.664_666dupATC).
Protein change: p.Ile222dup; duplicates isoleucine 222.
Molecular consequence: inframe insertion.
Genome position (GRCh38, 1-based): chr14:104,703,451-104,703,453, ATC duplicated. VCF-style (leftmost placement, unchanged base first): chr14-104703450-T-TATC. GRCh37 (hg19) VCF-style: chr14-105169787-T-TATC.
Other names: c.664_666dup, p.Ile222dup (NM_001031714.4, NM_032714.3).
Identifiers: ClinVar variation 1000746 (VCV001000746.8), dbSNP rs1889626434, ClinGen allele CA2160925685.
Genomic context (GRCh38, chr14:104,703,450, plus strand): 5'-CAACGCCGTCATCTTGGGCCCCGAGGACCTGCGCGCGCGCACCCAGCTGCGGAACGAGTT[T>TATC]ATCGGTAAGCACCTGCCCTGGGCCGCATGCCCGCTCCTGCCCGCCTCTTGGCCAGTGCAT-3'